The following is an entry in ClinVar:

ClinVar aggregate classification (germline): Uncertain significance (1 of 4 stars; one submission).

Conditions:
Kabuki syndrome 1 (KABUK1). Also called: KMT2D-Related Kabuki Syndrome. Identifiers: Orphanet 2322, MedGen CN030661, MONDO:0007843, OMIM 147920.

Submission:

Baylor Genetics
Classification: Uncertain significance for Kabuki syndrome 1. Last evaluated: 2020-06-03. Review status: criteria provided, single submitter. Criteria: ACMG Guidelines, 2015. Collection method: clinical testing. Allele origin: unknown. Affected: yes.
Comment: This variant was determined to be of uncertain significance according to ACMG Guidelines, 2015 [PMID:25741868].

NM_003482.4(KMT2D):c.1231C>T (p.Pro411Ser)

Gene: KMT2D (lysine methyltransferase 2D; minus strand). Cytogenetic location: 12q13.12.
Variant type: single nucleotide variant.
Coding change: c.1231C>T on transcript NM_003482.4 (MANE Select); coding-DNA position 1231, C replaced by T.
Protein change: p.Pro411Ser; replaces proline 411 with serine.
Molecular consequence: missense variant.
Genome position (GRCh38, 1-based): chr12:49,052,591, G>A on the plus strand (C>T on the coding strand, the complement: KMT2D is on the minus strand). VCF-style: chr12-49052591-G-A. GRCh37 (hg19) VCF-style: chr12-49446374-G-A.
Other names: short protein forms P411S.
Identifiers: ClinVar variation 1030669 (VCV001030669.1), dbSNP rs1367939301, ClinGen allele CA384676203.